The following is an entry in ClinVar:

NM_000093.5(COL5A1):c.1062C>T (p.Asp354=)

Gene: COL5A1 (collagen type V alpha 1 chain; plus strand). Cytogenetic location: 9q34.3.
Variant type: single nucleotide variant.
Coding change: c.1062C>T on transcript NM_000093.5 (MANE Select); coding-DNA position 1062, C replaced by T.
Protein change: p.Asp354=; no amino-acid change (aspartic acid 354 retained).
Molecular consequence: synonymous variant.
Genome position (GRCh38, 1-based): chr9:134,730,373, C>T. VCF-style: chr9-134730373-C-T. GRCh37 (hg19) VCF-style: chr9-137622219-C-T.
Other names: p.D354D:GAC>GAT; p.Asp354=; c.1062C>T, p.Asp354= (NM_001278074.1).
Identifiers: ClinVar variation 136926 (VCV000136926.26), dbSNP rs61737708, ClinGen allele CA290346.

ClinVar aggregate classification (germline): Benign/Likely benign. Review status: criteria provided, multiple submitters, no conflicts (2 of 4 stars). 10 submissions from 9 submitters: Benign (9); Likely benign (1). Last evaluated 2026-09-21.

Conditions:
Fibromuscular dysplasia, multifocal. Identifiers: MedGen C5543412, MONDO:0859151, OMIM 619329.
Ehlers-Danlos syndrome, classic type, 1 (EDSCL1). Also called: Ehlers-Danlos Syndrome, Classic Type, COL5A1-Related; EHLERS-DANLOS SYNDROME, GRAVIS TYPE; EHLERS-DANLOS SYNDROME, SEVERE CLASSIC TYPE; Ehlers-Danlos syndrome, type 1; EDS I. Identifiers: MedGen C0268335, MONDO:0019567, OMIM 130000.
Familial thoracic aortic aneurysm and aortic dissection (TAAD). Also called: Thoracic aortic aneurysms and dissections. Identifiers: Orphanet 91387, MedGen C4707243, MONDO:0019625.

Allele frequency attached by ClinVar (database versions not stated): gnomAD exomes 0.00152 and 0.00060; gnomAD 0.00593 and 0.00634; ESP Exome Variant Server 0.00746; ExAC 0.00183; 1000 Genomes Project 0.00739; 1000 Genomes Project 30x 0.00843; TOPMed 0.00737.
gnomAD v4.1: 1,799 of 1,614,240 alleles (0.11%); highest among the groups gnomAD compares: African/African-American, 2.1%; 31 homozygotes.

Submissions (10):

Molecular Diagnostic Laboratory for Inherited Cardiovascular Disease, Montreal Heart Institute
Classification: Benign. Last evaluated: 2026-09-21. Review status: criteria provided, single submitter. Criteria: ACMG Guidelines, 2015. Collection method: clinical testing. Allele origin: germline. Affected: no.

Labcorp Genetics (formerly Invitae), Labcorp
Classification: Benign for Ehlers-Danlos syndrome, classic type, 1. Last evaluated: 2026-02-03. Review status: criteria provided, single submitter. Criteria: Invitae Variant Classification Sherloc (09022015). Collection method: clinical testing. Allele origin: germline.

Women's Health and Genetics/Laboratory Corporation of America, LabCorp
Classification: Benign. Last evaluated: 2023-07-21. Review status: criteria provided, single submitter. Criteria: LabCorp Variant Classification Summary - May 2015. Collection method: clinical testing. Allele origin: germline.

Genome-Nilou Lab
Classification: Benign for Ehlers-Danlos syndrome, classic type, 1. Last evaluated: 2022-03-15. Review status: criteria provided, single submitter. Criteria: ACMG Guidelines, 2015. Collection method: clinical testing. Allele origin: germline. Affected: no.

Genome-Nilou Lab
Classification: Benign for Fibromuscular dysplasia, multifocal. Last evaluated: 2022-03-15. Review status: criteria provided, single submitter. Criteria: ACMG Guidelines, 2015. Collection method: clinical testing. Allele origin: germline. Affected: no.

Mayo Clinic Laboratories, Mayo Clinic
Classification: Benign. Last evaluated: 2018-11-21. Review status: criteria provided, single submitter. Criteria: ACMG Guidelines, 2015. Collection method: clinical testing. Allele origin: germline. Observed: 13 variant alleles.

Ambry Genetics
Classification: Benign for Familial thoracic aortic aneurysm and aortic dissection. Last evaluated: 2016-06-15. Review status: criteria provided, single submitter. Criteria: Ambry Variant Classification Scheme 2023. Collection method: clinical testing. Allele origin: germline.

GeneDx
Classification: Benign. Last evaluated: 2014-05-14. Review status: criteria provided, single submitter. Criteria: GeneDx Variant Classification (06012015). Collection method: clinical testing. Allele origin: germline. Affected: yes.
Comment: This variant is considered likely benign or benign based on one or more of the following criteria: it is a conservative change, it occurs at a poorly conserved position in the protein, it is predicted to be benign by multiple in silico algorithms, and/or has population frequency not consistent with disease.

Breakthrough Genomics
Classification: Likely benign. Review status: criteria provided, single submitter. Criteria: ACMG Guidelines, 2015. Collection method: not provided. Allele origin: germline. Inheritance: Autosomal dominant inheritance. Affected: yes.

PreventionGenetics, part of Exact Sciences
Classification: Benign. Review status: criteria provided, single submitter. Criteria: ACMG Guidelines, 2015. Collection method: clinical testing. Allele origin: germline.